The following is an entry in ClinVar:

NM_001184.4(ATR):c.3686A>G (p.Glu1229Gly)

Gene: ATR (ATR checkpoint kinase; minus strand). Cytogenetic location: 3q23.
Variant type: single nucleotide variant.
Coding change: c.3686A>G on transcript NM_001184.4 (MANE Select); coding-DNA position 3686, A replaced by G.
Protein change: p.Glu1229Gly; replaces glutamic acid 1229 with glycine.
Molecular consequence: missense variant.
Genome position (GRCh38, 1-based): chr3:142,538,521, T>C on the plus strand (A>G on the coding strand, the complement: ATR is on the minus strand). VCF-style: chr3-142538521-T-C. GRCh37 (hg19) VCF-style: chr3-142257363-T-C.
Other names: c.3494A>G, p.Glu1165Gly (NM_001354579.2); short protein forms E1165G, E1229G.
Identifiers: ClinVar variation 1733921 (VCV001733921.2), dbSNP rs2108432334, ClinGen allele CA354807446.
Genomic context (GRCh38, chr3:142,538,521, plus strand): 5'-TATTAATTTCAGTTACAATACCTGTTTTCAATTATGAGGTAGTGGAAGATAGCTGCAGTT[T>C]CTTTAGGCTGGATGTGTATAAGAGGTAACAAAGCTACTATTACATGACTGAGAAGGGAGC-3'
Protein context (NP_001175.2, residues 1219-1239): LLPLIHIQPK[Glu1229Gly]TAAIFHYLII

ClinVar aggregate classification (germline): Uncertain significance (1 of 4 stars; one submission).

Conditions:
Inborn genetic diseases. Identifiers: MedGen C0950123, MeSH D030342.

Allele frequency attached by ClinVar (database versions not stated): gnomAD exomes below 0.00001.
gnomAD v4.1: 1 of 1,613,422 alleles (0.000062%); highest among the groups gnomAD compares: Admixed American, 0.0017%; no homozygotes.

Submission:

Ambry Genetics
Classification: Uncertain significance for Inborn genetic diseases. Last evaluated: 2024-02-26. Review status: criteria provided, single submitter. Criteria: Ambry Variant Classification Scheme 2023. Collection method: clinical testing. Allele origin: germline.
Comment: The p.E1229G variant (also known as c.3686A>G), located in coding exon 19 of the ATR gene, results from an A to G substitution at nucleotide position 3686. The glutamic acid at codon 1229 is replaced by glycine, an amino acid with similar properties. This amino acid position is conserved. In addition, the in silico prediction for this alteration is inconclusive. Since supporting evidence is limited at this time, the clinical significance of this alteration remains unclear.